The following is an entry in ClinVar:

NM_001378615.1(CC2D2A):c.16G>T (p.Glu6Ter)

Genes: FBXL5 (F-box and leucine rich repeat protein 5; minus strand), CC2D2A (coiled-coil and C2 domain containing 2A; plus strand). Cytogenetic location: 4p15.32.
Variant type: single nucleotide variant.
Coding change: c.16G>T on transcript NM_001378615.1 (MANE Select); coding-DNA position 16, G replaced by T.
Protein change: p.Glu6Ter; replaces glutamic acid 6 with a stop codon.
Molecular consequence: nonsense.
Genome position (GRCh38, 1-based): chr4:15,475,948, G>T. VCF-style: chr4-15475948-G-T. GRCh37 (hg19) VCF-style: chr4-15477572-G-T.
Other names: c.16G>T, p.Glu6Ter (NM_001164720.3, NM_020785.2, NM_001080522.2); short protein forms E6*.
Identifiers: ClinVar variation 2944684 (VCV002944684.3), dbSNP rs2474814350, ClinGen allele CA356406986.

ClinVar aggregate classification (germline): Pathogenic (1 of 4 stars; one submission).

Conditions:
Joubert syndrome. Also called: JOUBERT-BOLTSHAUSER SYNDROME; Familial aplasia of the vermis. Identifiers: Orphanet 475, MedGen C5979921, MONDO:0018772.
Meckel-Gruber syndrome. Also called: DYSENCEPHALIA SPLANCHNOCYSTICA; GRUBER SYNDROME; Dysencephalia splachnocystica. Identifiers: Orphanet 564, MedGen C0265215, MONDO:0018921.

Submission:

Labcorp Genetics (formerly Invitae), Labcorp
Classification: Pathogenic for Joubert syndrome; Meckel-Gruber syndrome. Last evaluated: 2024-02-06. Review status: criteria provided, single submitter. Criteria: Invitae Variant Classification Sherloc (09022015). Collection method: clinical testing. Allele origin: germline.
Comment: This sequence change creates a premature translational stop signal (p.Glu6*) in the CC2D2A gene. It is expected to result in an absent or disrupted protein product. Loss-of-function variants in CC2D2A are known to be pathogenic (PMID: 19777577). This variant is not present in population databases (gnomAD no frequency). This variant has not been reported in the literature in individuals affected with CC2D2A-related conditions. Algorithms developed to predict the effect of sequence changes on RNA splicing suggest that this variant may disrupt the consensus splice site. For these reasons, this variant has been classified as Pathogenic.

Literature cited by the submitters: PubMed 19777577.